The following is an entry in ClinVar:

ClinVar aggregate classification (germline): Likely pathogenic (1 of 4 stars; one submission).

Conditions:
Immunodeficiency 104. Also called: IMMUNODEFICIENCY 104, SEVERE COMBINED; Severe Combined Immune Deficiency, Autosomal Recessive, TCell -Negative, B Cell-Positive, NK Cell-Positive, IL7R-Related; Severe combined immunodeficiency, autosomal recessive, T cell-negative, B cell-positive, NK cell-positive; SCID, AUTOSOMAL RECESSIVE, T CELL-NEGATIVE, B CELL-POSITIVE, NK CELL-POSITIVE. Identifiers: MedGen C5676890, MONDO:0012163, OMIM 608971.

Submission:

Labcorp Genetics (formerly Invitae), Labcorp
Classification: Likely pathogenic for Immunodeficiency 104. Last evaluated: 2023-10-06. Review status: criteria provided, single submitter. Criteria: Invitae Variant Classification Sherloc (09022015). Collection method: clinical testing. Allele origin: germline.
Comment: This sequence change affects a donor splice site in intron 2 of the PTPRC gene. It is expected to disrupt RNA splicing. Variants that disrupt the donor or acceptor splice site typically lead to a loss of protein function (PMID: 16199547), and loss-of-function variants in PTPRC are known to be pathogenic (PMID: 10700239). This variant is not present in population databases (gnomAD no frequency). This variant has not been reported in the literature in individuals affected with PTPRC-related conditions. Algorithms developed to predict the effect of sequence changes on RNA splicing suggest that this variant may disrupt the consensus splice site. In summary, the currently available evidence indicates that the variant is pathogenic, but additional data are needed to prove that conclusively. Therefore, this variant has been classified as Likely Pathogenic.

Literature cited by the submitters: PubMed 16199547; PubMed 10700239.

NM_002838.5(PTPRC):c.73+1G>A

Gene: PTPRC (protein tyrosine phosphatase receptor type C; plus strand). Cytogenetic location: 1q31.3.
Variant type: single nucleotide variant.
Coding change: c.73+1G>A on transcript NM_002838.5 (MANE Select); the canonical splice donor site of the intron after coding-DNA position 73, G replaced by A.
Molecular consequence: splice donor variant.
Genome position (GRCh38, 1-based): chr1:198,639,342, G>A. VCF-style: chr1-198639342-G-A. GRCh37 (hg19) VCF-style: chr1-198608472-G-A.
Other names: c.73+1G>A (NM_080921.4, NM_001267798.2).
Identifiers: ClinVar variation 2766425 (VCV002766425.3), dbSNP rs2527386785, ClinGen allele CA344098106.
Genomic context (GRCh38, chr1:198,639,342, plus strand): 5'-TGTGGCTTAAACTCTTGGCATTTGGCTTTGCCTTTCTGGACACAGAAGTATTTGTGACAG[G>A]TAAGTACAAGGATATTAATATTTTTTAAATTATTTTTTCTCTTTTGGAGGAATGTTTGAA-3'